The following is an entry in ClinVar:

NM_021096.4(CACNA1I):c.5745G>A (p.Ser1915=)

Gene: CACNA1I (calcium voltage-gated channel subunit alpha1 I; plus strand). Cytogenetic location: 22q13.1.
Variant type: single nucleotide variant.
Coding change: c.5745G>A on transcript NM_021096.4 (MANE Select); coding-DNA position 5745, G replaced by A.
Protein change: p.Ser1915=; no amino-acid change (serine 1915 retained).
Molecular consequence: synonymous variant.
Genome position (GRCh38, 1-based): chr22:39,682,576, G>A. VCF-style: chr22-39682576-G-A. GRCh37 (hg19) VCF-style: chr22-40078581-G-A.
Other names: c.5640G>A, p.Ser1880= (NM_001003406.2).
Identifiers: ClinVar variation 3351782 (VCV003351782.1).
Genomic context (GRCh38, chr22:39,682,576, plus strand): 5'-GCCCATGCGTGTGGGAGACCTGGGCGAATGCTTCTTCCCCTTGTCCTCTACGGCCGTCTC[G>A]CCGGATCCAGAGAACTTCCTGTGTGAGATGGAGGAGATCCCATTCAACCCTGTCCGGTCC-3'
Protein context (NP_066919.2, residues 1905-1925): CFFPLSSTAV[Ser1915=]PDPENFLCEM

ClinVar aggregate classification (germline): Likely benign (0 of 4 stars; one submission).

Conditions:
CACNA1I-related disorder. Also called: CACNA1I-related condition.

gnomAD v4.1: 418 of 1,613,494 alleles (0.026%); highest among the groups gnomAD compares: Non-Finnish European, 0.033%; no homozygotes.

Submission:

PreventionGenetics, part of Exact Sciences
Classification: Likely benign for CACNA1I-related condition. Last evaluated: 2024-04-25. Review status: no assertion criteria provided. Collection method: clinical testing. Allele origin: germline.
Comment: This variant is classified as likely benign based on ACMG/AMP sequence variant interpretation guidelines (Richards et al. 2015 PMID: 25741868, with internal and published modifications).